The following is an entry in ClinVar:

ClinVar aggregate classification (germline): Benign/Likely benign. Review status: criteria provided, multiple submitters, no conflicts (2 of 4 stars). 3 submissions from 3 submitters: Benign (1); Likely benign (2). Last evaluated 2025-01-28.

Conditions:
Multiple endocrine neoplasia, type 1 (MEN1). Also called: MEA I; MEN I; WERMER SYNDROME; Endocrine adenomatosis multiple; MEN 1. Identifiers: Orphanet 652, MedGen C0025267, MeSH D018761, MONDO:0007540, OMIM 131100.
Hereditary cancer-predisposing syndrome. Also called: Hereditary neoplastic syndrome; Neoplastic Syndromes, Hereditary; Tumor predisposition; Hereditary Cancer Syndrome. Identifiers: Orphanet 140162, MedGen C0027672, MeSH D009386, MONDO:0015356.

Allele frequency attached by ClinVar (database versions not stated): gnomAD exomes below 0.00001 and 0.00001.
gnomAD v4.1: 18 of 1,614,114 alleles (0.0011%); highest among the groups gnomAD compares: Non-Finnish European, 0.0015%; no homozygotes.

Submissions (3):

Labcorp Genetics (formerly Invitae), Labcorp
Classification: Likely benign for Multiple endocrine neoplasia, type 1. Last evaluated: 2025-01-28. Review status: criteria provided, single submitter. Criteria: Invitae Variant Classification Sherloc (09022015). Collection method: clinical testing. Allele origin: germline.

Myriad Genetics, Inc.
Classification: Benign for Multiple endocrine neoplasia, type 1. Last evaluated: 2024-11-05. Review status: criteria provided, single submitter. Criteria: Myriad Autosomal Dominant, Autosomal Recessive and X-Linked Classification Criteria (2023). Collection method: clinical testing. Allele origin: unknown.
Comment: This variant is considered benign. This variant is a silent/synonymous amino acid change and it is not expected to impact splicing.

Ambry Genetics
Classification: Likely benign for Hereditary cancer-predisposing syndrome. Last evaluated: 2020-04-23. Review status: criteria provided, single submitter. Criteria: Ambry Variant Classification Scheme 2023. Collection method: clinical testing. Allele origin: germline.

NM_001370259.2(MEN1):c.1314C>G (p.Thr438=)

Gene: MEN1 (menin 1; minus strand). Cytogenetic location: 11q13.1.
Variant type: single nucleotide variant.
Coding change: c.1314C>G on transcript NM_001370259.2 (MANE Select); coding-DNA position 1314, C replaced by G.
Protein change: p.Thr438=; no amino-acid change (threonine 438 retained).
Molecular consequence: synonymous variant.
Genome position (GRCh38, 1-based): chr11:64,805,070, G>C on the plus strand (C>G on the coding strand, the complement: MEN1 is on the minus strand). VCF-style: chr11-64805070-G-C. GRCh37 (hg19) VCF-style: chr11-64572542-G-C.
Other names: c.1329C>G, p.Thr443= (NM_000244.4, NM_130800.3, NM_130801.3 and 3 more transcripts); c.1440C>G, p.Thr480= (NM_001370251.2); c.1314C>G, p.Thr438= (NM_001370260.2, NM_001370261.2, NM_130799.3); c.1209C>G, p.Thr403= (NM_001370262.2, NM_001370263.2).
Identifiers: ClinVar variation 412566 (VCV000412566.15), dbSNP rs897481809, ClinGen allele CA16613458.